The following is an entry in ClinVar:

ClinVar aggregate classification (germline): Uncertain significance. Review status: criteria provided, multiple submitters, no conflicts (2 of 4 stars). 2 submissions from 2 submitters: Uncertain significance (2). Last evaluated 2024-03-29.

Conditions:
Familial cancer of breast. Also called: hereditary breast carcinoma; Hereditary breast cancer; BREAST CANCER, FAMILIAL. Identifiers: Orphanet 227535, MedGen C0346153, MONDO:0016419, OMIM 114480. Disease mechanism: loss of function.
Fanconi anemia complementation group J. Also called: BRIP1-Related Fanconi Anemia. Identifiers: Orphanet 84, MedGen C1836860, MONDO:0012187, OMIM 609054.

Submissions (2):

Baylor Genetics
Classification: Uncertain significance for Familial cancer of breast. Last evaluated: 2024-03-29. Review status: criteria provided, single submitter. Criteria: ACMG Guidelines, 2015. Collection method: clinical testing. Allele origin: unknown.

Labcorp Genetics (formerly Invitae), Labcorp
Classification: Uncertain significance for Familial cancer of breast; Fanconi anemia complementation group J. Last evaluated: 2023-12-25. Review status: criteria provided, single submitter. Criteria: Invitae Variant Classification Sherloc (09022015). Collection method: clinical testing. Allele origin: germline.
Comment: This sequence change replaces valine, which is neutral and non-polar, with leucine, which is neutral and non-polar, at codon 180 of the BRIP1 protein (p.Val180Leu). This variant is not present in population databases (gnomAD no frequency). This variant has not been reported in the literature in individuals affected with BRIP1-related conditions. ClinVar contains an entry for this variant (Variation ID: 2087963). Advanced modeling of protein sequence and biophysical properties (such as structural, functional, and spatial information, amino acid conservation, physicochemical variation, residue mobility, and thermodynamic stability) performed at Invitae indicates that this missense variant is not expected to disrupt BRIP1 protein function with a negative predictive value of 80%. In summary, the available evidence is currently insufficient to determine the role of this variant in disease. Therefore, it has been classified as a Variant of Uncertain Significance.

NM_032043.3(BRIP1):c.538G>C (p.Val180Leu)

Gene: BRIP1 (BRCA1 interacting DNA helicase 1; minus strand). Cytogenetic location: 17q23.2.
Variant type: single nucleotide variant.
Coding change: c.538G>C on transcript NM_032043.3 (MANE Select); coding-DNA position 538, G replaced by C.
Protein change: p.Val180Leu; replaces valine 180 with leucine.
Molecular consequence: missense variant.
Genome position (GRCh38, 1-based): chr17:61,847,190, C>G on the plus strand (G>C on the coding strand, the complement: BRIP1 is on the minus strand). VCF-style: chr17-61847190-C-G. GRCh37 (hg19) VCF-style: chr17-59924551-C-G.
Other names: short protein forms V180L.
Identifiers: ClinVar variation 2087963 (VCV002087963.5), dbSNP rs1603361670, ClinGen allele CA400483238.